The following is an entry in ClinVar:

ClinVar aggregate classification (germline): Pathogenic (1 of 4 stars; one submission).

Conditions:
Bardet-Biedl syndrome (BBS). Identifiers: Orphanet 110, MedGen C0752166, MONDO:0015229.

Submission:

Labcorp Genetics (formerly Invitae), Labcorp
Classification: Pathogenic for Bardet-Biedl syndrome. Last evaluated: 2019-12-31. Review status: criteria provided, single submitter. Criteria: Invitae Variant Classification Sherloc (09022015). Collection method: clinical testing. Allele origin: germline.
Comment: For these reasons, this variant has been classified as Pathogenic. This sequence change results in a premature translational stop signal in the TRIM32 gene (p.Leu457Phefs*43). While this is not anticipated to result in nonsense mediated decay, it is expected to disrupt the last 197 amino acids of the TRIM32 protein. This variant is not present in population databases (ExAC no frequency). This variant has been observed in individual(s) with clinical features of limb-girdle muscular dystrophy (Invitae). In at least one individual the data is consistent with the variant being in trans (on the opposite chromosome) from a pathogenic variant. This variant disrupts the p.Asp487 amino acid residue in TRIM32. Other variant(s) that disrupt this residue have been determined to be pathogenic (PMID:11822024, 21775502, 15786463). This suggests that this residue is clinically significant, and that variants that disrupt this residue are likely to be disease-causing.

Literature cited by the submitters: PubMed 11822024; PubMed 21775502; PubMed 15786463.

NM_012210.4(TRIM32):c.1370dup (p.Leu457fs)

Genes: ASTN2 (astrotactin 2; minus strand), TRIM32 (tripartite motif containing 32; plus strand). Cytogenetic location: 9q33.1.
Variant type: Duplication.
Coding change: c.1370dup on transcript NM_012210.4 (MANE Select); coding-DNA position 1370, one base duplicated (T; older notation c.1370dupT).
Protein change: p.Leu457fs; shifts the reading frame from leucine 457.
Molecular consequence: frameshift variant. On other transcripts: intron variant (3).
Genome position (GRCh38, 1-based): chr9:116,699,112, T duplicated; the last of 2 consecutive T bases (chr9:116,699,111-116,699,112); duplicating either gives the same sequence. VCF-style (leftmost placement, unchanged base first): chr9-116699110-C-CT. GRCh37 (hg19) VCF-style: chr9-119461389-C-CT.
Other names: c.1370dup, p.Leu457fs (NM_001099679.2, NM_001379048.1, NM_001379049.1 and 1 more transcripts); c.2653+26660dup (NM_014010.5); c.2794+26660dup (NM_001365069.1); c.2806+26660dup (NM_001365068.1); short protein forms L457fs.
Identifiers: ClinVar variation 860768 (VCV000860768.9), dbSNP rs35904234, ClinGen allele CA198770858.